The following is an entry in ClinVar:

ClinVar aggregate classification (germline): Uncertain significance (1 of 4 stars; one submission).

Conditions:
Ullrich congenital muscular dystrophy 2 (UCMD2). Identifiers: Orphanet 75840, MedGen C4225314, MONDO:0014654, OMIM 616470.
Bethlem myopathy 2 (BTHLM2). Identifiers: Orphanet 536516, Orphanet 610, MedGen C4225313, MONDO:0034022, OMIM 616471.

Submission:

Labcorp Genetics (formerly Invitae), Labcorp
Classification: Uncertain significance for Bethlem myopathy 2; Ullrich congenital muscular dystrophy 2. Last evaluated: 2024-12-08. Review status: criteria provided, single submitter. Criteria: Invitae Variant Classification Sherloc (09022015). Collection method: clinical testing. Allele origin: germline.
Comment: This sequence change replaces glutamic acid, which is acidic and polar, with lysine, which is basic and polar, at codon 174 of the COL12A1 protein (p.Glu174Lys). This variant is not present in population databases (gnomAD no frequency). This variant has not been reported in the literature in individuals affected with COL12A1-related conditions. Invitae Evidence Modeling of protein sequence and biophysical properties (such as structural, functional, and spatial information, amino acid conservation, physicochemical variation, residue mobility, and thermodynamic stability) has been performed for this missense variant. However, the output from this modeling did not meet the statistical confidence thresholds required to predict the impact of this variant on COL12A1 protein function. In summary, the available evidence is currently insufficient to determine the role of this variant in disease. Therefore, it has been classified as a Variant of Uncertain Significance.

NM_004370.6(COL12A1):c.520G>A (p.Glu174Lys)

Gene: COL12A1 (collagen type XII alpha 1 chain; minus strand). Cytogenetic location: 6q13.
Variant type: single nucleotide variant.
Coding change: c.520G>A on transcript NM_004370.6 (MANE Select); coding-DNA position 520, G replaced by A.
Protein change: p.Glu174Lys; replaces glutamic acid 174 with lysine.
Molecular consequence: missense variant. On other transcripts: intron variant (2).
Genome position (GRCh38, 1-based): chr6:75,189,690, C>T on the plus strand (G>A on the coding strand, the complement: COL12A1 is on the minus strand). VCF-style: chr6-75189690-C-T. GRCh37 (hg19) VCF-style: chr6-75899406-C-T.
Other names: c.520G>A, p.Glu174Lys (NM_001424113.1, NM_001424114.1, NM_001424115.1); c.73+13030G>A (NM_001424116.1, NM_080645.3); short protein forms E174K.
Identifiers: ClinVar variation 3752560 (VCV003752560.2).